The following is an entry in ClinVar:

NM_000143.4(FH):c.1233G>C (p.Met411Ile)

Gene: FH (fumarate hydratase; minus strand). Cytogenetic location: 1q43.
Variant type: single nucleotide variant.
Coding change: c.1233G>C on transcript NM_000143.4 (MANE Select); coding-DNA position 1233, G replaced by C.
Protein change: p.Met411Ile; replaces methionine 411 with isoleucine.
Molecular consequence: missense variant.
Genome position (GRCh38, 1-based): chr1:241,502,446, C>G on the plus strand (G>C on the coding strand, the complement: FH is on the minus strand). VCF-style: chr1-241502446-C-G. GRCh37 (hg19) VCF-style: chr1-241665746-C-G.
Other names: short protein forms M411I.
Identifiers: ClinVar variation 5021768 (VCV005021768.1).
Genomic context (GRCh38, chr1:241,502,446, plus strand): 5'-AAACCAAGATAATAAGCCTTTGGTCAAAAAACATTAAAAATCAGATTTAAAGCTTACCAT[C>G]ATTGGCTTGAAAACATTCAACTCAAAATGTCCATTGCTGCCTCCGACAGTGACAGCAACA-3'
Protein context (NP_000134.2, residues 401-421): GHFELNVFKP[Met411Ile]MIKNVLHSAR

ClinVar aggregate classification (germline): Uncertain significance (1 of 4 stars; one submission).

Conditions:
Hereditary cancer-predisposing syndrome. Also called: Neoplastic Syndromes, Hereditary; Tumor predisposition; Hereditary neoplastic syndrome; Hereditary Cancer Syndrome. Identifiers: Orphanet 140162, MedGen C0027672, MeSH D009386, MONDO:0015356.

Submission:

Ambry Genetics
Classification: Uncertain significance for Hereditary cancer-predisposing syndrome. Last evaluated: 2026-07-27. Review status: criteria provided, single submitter. Criteria: Ambry Variant Classification Scheme 2023. Collection method: clinical testing. Allele origin: germline.
Comment: The p.M411I variant (also known as c.1233G>C), located in coding exon 8 of the FH gene, results from a G to C substitution at nucleotide position 1233. The methionine at codon 411 is replaced by isoleucine, an amino acid with highly similar properties. This amino acid position is well conserved in available vertebrate species. In addition, the in silico prediction for this alteration is inconclusive. Based on the available evidence, the clinical significance of this variant remains unclear.